The following is an entry in ClinVar:

ClinVar aggregate classification (germline): Uncertain significance (1 of 4 stars; one submission).

gnomAD v4.1: 1 of 1,545,782 alleles (0.000065%); highest among the groups gnomAD compares: Admixed American, 0.0021%; no homozygotes.

Submission:

Labcorp Genetics (formerly Invitae), Labcorp
Classification: Uncertain significance. Last evaluated: 2024-07-03. Review status: criteria provided, single submitter. Criteria: Invitae Variant Classification Sherloc (09022015). Collection method: clinical testing. Allele origin: germline.
Comment: This sequence change replaces glycine, which is neutral and non-polar, with alanine, which is neutral and non-polar, at codon 484 of the COL10A1 protein (p.Gly484Ala). This variant is not present in population databases (gnomAD no frequency). This variant has not been reported in the literature in individuals affected with COL10A1-related conditions. Advanced modeling of protein sequence and biophysical properties (such as structural, functional, and spatial information, amino acid conservation, physicochemical variation, residue mobility, and thermodynamic stability) has been performed at Invitae for this missense variant, however the output from this modeling did not meet the statistical confidence thresholds required to predict the impact of this variant on COL10A1 protein function. In summary, the available evidence is currently insufficient to determine the role of this variant in disease. Therefore, it has been classified as a Variant of Uncertain Significance.

NM_000493.4(COL10A1):c.1451G>C (p.Gly484Ala)

Genes: COL10A1 (collagen type X alpha 1 chain; minus strand), NT5DC1 (5'-nucleotidase domain containing 1; plus strand). Cytogenetic location: 6q22.1.
Variant type: single nucleotide variant.
Coding change: c.1451G>C on transcript NM_000493.4 (MANE Select); coding-DNA position 1451, G replaced by C.
Protein change: p.Gly484Ala; replaces glycine 484 with alanine.
Molecular consequence: missense variant. On other transcripts: intron variant (1).
Genome position (GRCh38, 1-based): chr6:116,120,665, C>G on the plus strand (G>C on the coding strand, the complement: COL10A1 is on the minus strand). VCF-style: chr6-116120665-C-G. GRCh37 (hg19) VCF-style: chr6-116441828-C-G.
Other names: c.529+2720C>G (NM_152729.3); c.1451G>C, p.Gly484Ala (NM_001424106.1, NM_001424107.1); short protein forms G484A.
Identifiers: ClinVar variation 3692247 (VCV003692247.2).